The following is an entry in ClinVar:

NM_172107.4(KCNQ2):c.2068del (p.Val690fs)

Gene: KCNQ2 (potassium voltage-gated channel subfamily Q member 2; minus strand). Cytogenetic location: 20q13.33.
Variant type: Deletion.
Coding change: c.2068del on transcript NM_172107.4 (MANE Select); coding-DNA position 2068, one base deleted (G; older notation c.2068delG).
Protein change: p.Val690fs; shifts the reading frame from valine 690.
Molecular consequence: frameshift variant.
Genome position (GRCh38, 1-based): chr20:63,407,195, C deleted on the plus strand (G on the coding strand, the reverse complement: KCNQ2 is on the minus strand). VCF-style (leftmost placement, unchanged base first): chr20-63407194-AC-A. GRCh37 (hg19) VCF-style: chr20-62038547-AC-A.
Other names: c.1984del, p.Val662fs (NM_004518.6); c.2014del, p.Val672fs (NM_172106.3); c.1975del, p.Val659fs (NM_172108.5); short protein forms V659fs, V690fs, V662fs, V672fs.
Identifiers: ClinVar variation 859896 (VCV000859896.10), dbSNP rs2079972258, ClinGen allele CA916083761.

ClinVar aggregate classification (germline): Pathogenic (1 of 4 stars; one submission).

Conditions:
Early-infantile DEE. Also called: Early infantile epileptic encephalopathy; Early infantile epileptic encephalopathy with suppression bursts; Ohtahara syndrome. Identifiers: Orphanet 1934, MedGen C0393706, MONDO:0800491.

Submission:

Labcorp Genetics (formerly Invitae), Labcorp
Classification: Pathogenic for Early-infantile DEE. Last evaluated: 2019-11-25. Review status: criteria provided, single submitter. Criteria: Invitae Variant Classification Sherloc (09022015). Collection method: clinical testing. Allele origin: germline.
Comment: This variant results in an extension of the KCNQ2 protein. Other variant(s) that result in a similarly extended protein product (p.Gly866Alafs*64) have been determined to be pathogenic (PMID: 10482260, 21937445). This suggests that these extensions are likely to be causative of disease. For these reasons, this variant has been classified as Pathogenic. This variant has not been reported in the literature in individuals with KCNQ2-related conditions. This variant is not present in population databases (ExAC no frequency). This sequence change results in a frameshift in the KCNQ2 gene (p.Val690Cysfs*240). While this is not anticipated to result in nonsense mediated decay, it is expected to disrupt the last 182 amino acids of the KCNQ2 protein and extend the protein by an additional 56 amino acids.

Literature cited by the submitters: PubMed 10482260; PubMed 21937445.